The following is an entry in ClinVar:

ClinVar aggregate classification (germline): Pathogenic (1 of 4 stars; one submission).

Submission:

GeneDx
Classification: Pathogenic. Last evaluated: 2026-08-10. Review status: criteria provided, single submitter. Criteria: GeneDx Variant Classification Process June 2021. Collection method: clinical testing. Allele origin: germline.
Comment: Frameshift variant predicted to result in abnormal protein length as the last 1259 amino acids are replaced with 3 different amino acids, and other similar variants have been reported in HGMD; Not observed at significant frequency in large population cohorts (gnomAD); Has not been previously published as pathogenic or benign to our knowledge; This variant is associated with the following publications: (PMID: 16444271)

NM_002016.2(FLG):c.8407del (p.Glu2803fs)

Genes: CCDST (cervical cancer associated DHX9 suppressive transcript; plus strand), FLG (filaggrin; minus strand). Cytogenetic location: 1q21.3.
Variant type: Deletion.
Coding change: c.8407del on transcript NM_002016.2 (MANE Select); coding-DNA position 8407, one base deleted (G; older notation c.8407delG).
Protein change: p.Glu2803fs; shifts the reading frame from glutamic acid 2803.
Molecular consequence: frameshift variant.
Genome position (GRCh38, 1-based): chr1:152,306,479, C deleted on the plus strand (G on the coding strand, the reverse complement: FLG is on the minus strand). VCF-style (leftmost placement, unchanged base first): chr1-152306478-TC-T. GRCh37 (hg19) VCF-style: chr1-152278954-TC-T.
Other names: c.8407delG, p.Glu2803Serfs (NM_002016.1); short protein forms E2803fs.
Identifiers: ClinVar variation 4685119 (VCV004685119.2).
Genomic context (GRCh38, chr1:152,306,478, plus strand): 5'-CCCTGGGATGTGGTGTGGCTGTGATGGGACCCTGAGTGTCCAGAGCTATCTACCGAATGC[TC>T]GTGGTGGTACCCCTGCCTTCCTCCTCTGCTTGACCCCGGGTGTCCACGAATGGTGTCCTG-3'